The following is an entry in ClinVar:

NM_005515.4(MNX1):c.697del (p.Ala233fs)

Genes: MNX1 (motor neuron and pancreas homeobox 1; minus strand), MNX1-AS2 (MNX1 antisense RNA 2; plus strand). Cytogenetic location: 7q36.3.
Variant type: Deletion.
Coding change: c.697del on transcript NM_005515.4 (MANE Select); coding-DNA position 697, one base deleted (G; older notation c.697delG).
Protein change: p.Ala233fs; shifts the reading frame from alanine 233.
Molecular consequence: frameshift variant.
Genome position (GRCh38, 1-based): chr7:157,006,634, C deleted on the plus strand (G on the coding strand, the reverse complement: MNX1 is on the minus strand); the first of 2 consecutive C bases (chr7:157,006,634-157,006,635); deleting either gives the same sequence. VCF-style (leftmost placement, unchanged base first): chr7-157006633-GC-G. GRCh37 (hg19) VCF-style: chr7-156799327-GC-G.
Other names: c.61del, p.Ala21fs (NM_001165255.2); short protein forms A21fs, A233fs.
Identifiers: ClinVar variation 2095403 (VCV002095403.4), dbSNP rs2537774020, ClinGen allele CA2580077767.

ClinVar aggregate classification (germline): Pathogenic (1 of 4 stars; one submission).

Submission:

Labcorp Genetics (formerly Invitae), Labcorp
Classification: Pathogenic. Last evaluated: 2022-08-12. Review status: criteria provided, single submitter. Criteria: Invitae Variant Classification Sherloc (09022015). Collection method: clinical testing. Allele origin: germline.
Comment: This variant disrupts a region of the MNX1 protein in which other variant(s) (p.Ser277*, also referred to as c.836C>A p.Ser279X) have been determined to be pathogenic (PMID: 18449898). This suggests that this is a clinically significant region of the protein, and that variants that disrupt it are likely to be disease-causing. This sequence change creates a premature translational stop signal (p.Ala233Argfs*53) in the MNX1 gene. While this is not anticipated to result in nonsense mediated decay, it is expected to disrupt the last 169 amino acid(s) of the MNX1 protein. This variant is not present in population databases (gnomAD no frequency). This variant has not been reported in the literature in individuals affected with MNX1-related conditions. Algorithms developed to predict the effect of sequence changes on RNA splicing suggest that this variant may disrupt the consensus splice site. For these reasons, this variant has been classified as Pathogenic.

Literature cited by the submitters: PubMed 18449898.